The following is an entry in ClinVar:

ClinVar aggregate classification (germline): Uncertain significance (1 of 4 stars; one submission).

Conditions:
Hereditary nonpolyposis colorectal neoplasms. Identifiers: MedGen C0009405, MeSH D003123.

Submission:

Labcorp Genetics (formerly Invitae), Labcorp
Classification: Uncertain significance for Hereditary nonpolyposis colorectal neoplasms. Last evaluated: 2022-05-26. Review status: criteria provided, single submitter. Criteria: Invitae Variant Classification Sherloc (09022015). Collection method: clinical testing. Allele origin: germline.
Comment: In summary, the available evidence is currently insufficient to determine the role of this variant in disease. Therefore, it has been classified as a Variant of Uncertain Significance. Advanced modeling of protein sequence and biophysical properties (such as structural, functional, and spatial information, amino acid conservation, physicochemical variation, residue mobility, and thermodynamic stability) performed at Invitae indicates that this missense variant is expected to disrupt MSH6 protein function. This variant has not been reported in the literature in individuals affected with MSH6-related conditions. This variant is not present in population databases (gnomAD no frequency). This sequence change replaces threonine, which is neutral and polar, with isoleucine, which is neutral and non-polar, at codon 1168 of the MSH6 protein (p.Thr1168Ile).

NM_000179.3(MSH6):c.3503C>T (p.Thr1168Ile)

Gene: MSH6 (mutS homolog 6; plus strand). Cytogenetic location: 2p16.3.
Variant type: single nucleotide variant.
Coding change: c.3503C>T on transcript NM_000179.3 (MANE Select); coding-DNA position 3503, C replaced by T.
Protein change: p.Thr1168Ile; replaces threonine 1168 with isoleucine.
Molecular consequence: missense variant.
Genome position (GRCh38, 1-based): chr2:47,804,974, C>T. VCF-style: chr2-47804974-C-T. GRCh37 (hg19) VCF-style: chr2-48032113-C-T.
Other names: c.2978C>T, p.Thr993Ile (NM_001406806.1, NM_001406807.1, NM_001406799.1); c.3503C>T, p.Thr1168Ile (NM_001406808.1, NM_001406809.1, NM_001406796.1 and 1 more transcripts); c.2597C>T, p.Thr866Ile (NM_001406811.1, NM_001406812.1, NM_001406814.1 and 6 more transcripts); c.3509C>T, p.Thr1170Ile (NM_001406813.1); c.3335C>T, p.Thr1112Ile (NM_001406826.1); c.3206C>T, p.Thr1069Ile (NM_001406827.1, NM_001406828.1, NM_001406830.1 and 10 more transcripts); c.284C>T, p.Thr95Ile (NM_001406831.1); c.350C>T, p.Thr117Ile (NM_001406832.1); and 7 more; short protein forms T1170I, T117I, T880I, T993I, T1110I, T1112I, T483I, T95I.
Identifiers: ClinVar variation 1999116 (VCV001999116.4), dbSNP rs1669873005, ClinGen allele CA346760177.